The following is an entry in ClinVar:

ClinVar aggregate classification (germline): Uncertain significance (1 of 4 stars; one submission).

gnomAD v4.1: 33 of 1,610,040 alleles (0.002%); highest among the groups gnomAD compares: Non-Finnish European, 0.0026%; no homozygotes.

Submission:

Labcorp Genetics (formerly Invitae), Labcorp
Classification: Uncertain significance. Last evaluated: 2025-11-11. Review status: criteria provided, single submitter. Criteria: Invitae Variant Classification Sherloc (09022015). Collection method: clinical testing. Allele origin: germline.
Comment: This sequence change replaces proline, which is neutral and non-polar, with alanine, which is neutral and non-polar, at codon 580 of the ABL1 protein (p.Pro580Ala). This variant is not present in population databases (gnomAD no frequency). This variant has not been reported in the literature in individuals affected with ABL1-related conditions. An algorithm developed to predict the effect of missense changes on protein structure and function outputs the following: PolyPhen-2: "Benign". The alanine amino acid residue is found in multiple mammalian species, which suggests that this missense change does not adversely affect protein function. In summary, the available evidence is currently insufficient to determine the role of this variant in disease. Therefore, it has been classified as a Variant of Uncertain Significance.

NM_005157.6(ABL1):c.1681C>G (p.Pro561Ala)

Gene: ABL1 (ABL proto-oncogene 1, non-receptor tyrosine kinase; plus strand). Cytogenetic location: 9q34.12.
Variant type: single nucleotide variant.
Coding change: c.1681C>G on transcript NM_005157.6 (MANE Select); coding-DNA position 1681, C replaced by G.
Protein change: p.Pro561Ala; replaces proline 561 with alanine.
Molecular consequence: missense variant.
Genome position (GRCh38, 1-based): chr9:130,883,971, C>G. VCF-style: chr9-130883971-C-G. GRCh37 (hg19) VCF-style: chr9-133759358-C-G.
Other names: c.1738C>G, p.Pro580Ala (NM_007313.3); short protein forms P561A, P580A.
Identifiers: ClinVar variation 4709132 (VCV004709132.1).